The following is an entry in ClinVar:

ClinVar aggregate classification (germline): Likely benign. Review status: criteria provided, multiple submitters, no conflicts (2 of 4 stars). 2 submissions from 2 submitters: Likely benign (2). Last evaluated 2024-07-06.

Conditions:
Autosomal recessive limb-girdle muscular dystrophy type 2J (LGMDR10). Also called: MUSCULAR DYSTROPHY, LIMB-GIRDLE, AUTOSOMAL RECESSIVE 10; Limb-girdle muscular dystrophy, type 2J. Identifiers: Orphanet 140922, MedGen C1837342, MONDO:0012127, OMIM 608807.
Dilated cardiomyopathy 1G (CMD1G). Identifiers: Orphanet 154, MedGen C1858763, MONDO:0011400, OMIM 604145.

Allele frequency attached by ClinVar (database versions not stated): gnomAD exomes below 0.00001; ExAC 0.00001; TOPMed 0.00001; gnomAD 0.00002.

Submissions (2):

Labcorp Genetics (formerly Invitae), Labcorp
Classification: Likely benign for Dilated cardiomyopathy 1G; Autosomal recessive limb-girdle muscular dystrophy type 2J. Last evaluated: 2024-07-06. Review status: criteria provided, single submitter. Criteria: Invitae Variant Classification Sherloc (09022015). Collection method: clinical testing. Allele origin: germline.

GeneDx
Classification: Likely benign. Last evaluated: 2018-02-09. Review status: criteria provided, single submitter. Criteria: GeneDx Variant Classification (06012015). Collection method: clinical testing. Allele origin: germline. Affected: yes.
Comment: This variant is considered likely benign or benign based on one or more of the following criteria: it is a conservative change, it occurs at a poorly conserved position in the protein, it is predicted to be benign by multiple in silico algorithms, and/or has population frequency not consistent with disease.

NM_001267550.2(TTN):c.34230A>G (p.Glu11410=)

Gene: TTN (titin; minus strand). Cytogenetic location: 2q31.2.
Variant type: single nucleotide variant.
Coding change: c.34230A>G on transcript NM_001267550.2 (MANE Select); coding-DNA position 34230, A replaced by G.
Protein change: p.Glu11410=; no amino-acid change (glutamic acid 11410 retained).
Molecular consequence: synonymous variant. On other transcripts: intron variant (3).
Genome position (GRCh38, 1-based): chr2:178,677,682, T>C on the plus strand (A>G on the coding strand, the complement: TTN is on the minus strand). VCF-style: chr2-178677682-T-C. GRCh37 (hg19) VCF-style: chr2-179542409-T-C.
Other names: c.33279A>G, p.Glu11093= (NM_001256850.1); c.30498A>G, p.Glu10166= (NM_133378.4); c.13283-35365A>G (NM_003319.4); c.13859-35365A>G (NM_133437.4); c.13658-35365A>G (NM_133432.3).
Identifiers: ClinVar variation 515493 (VCV000515493.9), dbSNP rs762363574, ClinGen allele CA1998116.